The following is an entry in ClinVar:

NM_007129.5(ZIC2):c.692ACC[11] (p.His238_His239dup)

Gene: ZIC2 (Zic family zinc finger 2; plus strand). Cytogenetic location: 13q32.3.
Variant type: Microsatellite.
Coding change: c.692ACC[11] on transcript NM_007129.5 (MANE Select); 11 copies in a row of the 3-base unit ACC starting at c.692; the reference has nine copies in a row; two copies, 6 bases duplicated.
Protein change: p.His238_His239dup.
Molecular consequence: inframe insertion.
Genome position (GRCh38, 1-based): chr13:99,982,777-99,982,782, ACCACC duplicated; duplicating any 6 consecutive bases within chr13:99,982,754-99,982,782 gives the same sequence; the position shown is the placement nearest the transcript's 3' end. VCF-style (leftmost placement, unchanged base first): chr13-99982753-C-CCCACCA. GRCh37 (hg19) VCF-style: chr13-100635007-C-CCCACCA.
Identifiers: ClinVar variation 1508888 (VCV001508888.8), dbSNP rs398124241, ClinGen allele CA7032845.

ClinVar aggregate classification (germline): Conflicting classifications of pathogenicity. Review status: criteria provided, conflicting classifications (1 of 4 stars). 3 submissions from 3 submitters: Uncertain significance (2); Likely benign (1). Last evaluated 2026-01-28.

Conditions:
Holoprosencephaly 5 (HPE5). Identifiers: Orphanet 2162, MedGen C1864827, MONDO:0012322, OMIM 609637.

Submissions (3):

Labcorp Genetics (formerly Invitae), Labcorp
Classification: Uncertain significance for Holoprosencephaly 5. Last evaluated: 2026-01-28. Review status: criteria provided, single submitter. Criteria: Invitae Variant Classification Sherloc (09022015). Collection method: clinical testing. Allele origin: germline.
Comment: This variant, c.713_718dup, results in the insertion of 2 amino acid(s) of the ZIC2 protein (p.His238_His239dup), but otherwise preserves the integrity of the reading frame. The frequency data for this variant in the population databases is considered unreliable, as metrics indicate poor data quality at this position in the gnomAD database. This variant has not been reported in the literature in individuals affected with ZIC2-related conditions. Experimental studies and prediction algorithms are not available or were not evaluated, and the functional significance of this variant is currently unknown. In summary, the available evidence is currently insufficient to determine the role of this variant in disease. Therefore, it has been classified as a Variant of Uncertain Significance.

Laboratory of Genetics, Children's Clinical University Hospital Latvia
Classification: Likely benign. Last evaluated: 2025-02-16. Review status: criteria provided, single submitter. Criteria: ACMG Guidelines, 2015. Collection method: clinical testing. Allele origin: germline. Affected: yes.

Breakthrough Genomics
Classification: Uncertain significance. Review status: criteria provided, single submitter. Criteria: ACMG Guidelines, 2015. Collection method: not provided. Allele origin: germline. Inheritance: Autosomal dominant inheritance. Affected: yes.